The following is an entry in ClinVar:

ClinVar aggregate classification (germline): Likely pathogenic (1 of 4 stars; one submission).

Submission:

Dasa
Classification: Likely pathogenic. Last evaluated: 2026-04-03. Review status: criteria provided, single submitter. Criteria: DASA Assertion Criteria. Collection method: clinical testing. Allele origin: germline.
Comment: NM_001267550.2(TTN):c.52841del (p.Asn17614Metfs*10) is a frameshift variant in TTN predicted to alter the reading frame and introduce a premature termination codon and is predicted to result in an absent or altered protein product. Loss of function is an established disease mechanism for TTN-associated disorders. Also, this variant is absent from population databases. Based on the currently available evidence, this variant is classified as likely pathogenic.

NM_001267550.2(TTN):c.52841del (p.Asn17614fs)

Genes: TTN (titin; minus strand), TTN-AS1 (TTN antisense RNA 1; plus strand), LOC126806425 (BRD4-independent group 4 enhancer GRCh37_chr2:179471933-179473132; plus strand). Cytogenetic location: 2q31.2.
Variant type: Deletion.
Coding change: c.52841del on transcript NM_001267550.2 (MANE Select); coding-DNA position 52841, one base deleted (A; older notation c.52841delA).
Protein change: p.Asn17614fs; shifts the reading frame from asparagine 17614.
Molecular consequence: frameshift variant.
Genome position (GRCh38, 1-based): chr2:178,607,946, T deleted on the plus strand (A on the coding strand, the reverse complement: TTN is on the minus strand); the first of 3 consecutive T bases (chr2:178,607,946-178,607,948); deleting any one gives the same sequence. VCF-style (leftmost placement, unchanged base first): chr2-178607945-AT-A. GRCh37 (hg19) VCF-style: chr2-179472672-AT-A.
Other names: c.47918del, p.Asn15973fs (NM_001256850.1); c.25646del, p.Asn8549fs (NM_003319.4); c.45137del, p.Asn15046fs (NM_133378.4); c.26021del, p.Asn8674fs (NM_133432.3); c.26222del, p.Asn8741fs (NM_133437.4); short protein forms N15046fs, N15973fs, N17614fs, N8549fs, N8674fs, N8741fs.
Identifiers: ClinVar variation 4880539 (VCV004880539.2).